The following is an entry in ClinVar:

NM_001103146.3(GIGYF2):c.3846T>C (p.Asn1282=)

Gene: GIGYF2 (GRB10 interacting GYF protein 2; plus strand). Cytogenetic location: 2q37.1.
Variant type: single nucleotide variant.
Coding change: c.3846T>C on transcript NM_001103146.3 (MANE Select); coding-DNA position 3846, T replaced by C.
Protein change: p.Asn1282=; no amino-acid change (asparagine 1282 retained).
Molecular consequence: synonymous variant. On other transcripts: non-coding transcript variant (1).
Genome position (GRCh38, 1-based): chr2:232,856,806, T>C. VCF-style: chr2-232856806-T-C. GRCh37 (hg19) VCF-style: chr2-233721516-T-C.
Other names: c.3909T>C, p.Asn1303= (NM_001103147.2); c.3828T>C, p.Asn1276= (NM_001103148.2); c.3846T>C, p.Asn1282= (NM_015575.4); c.3846T>C (NM_001103146.1).
Identifiers: ClinVar variation 2652016 (VCV002652016.25), dbSNP rs149969897, ClinGen allele CA2171009.

ClinVar aggregate classification (germline): Likely benign. Review status: criteria provided, multiple submitters, no conflicts (2 of 4 stars). 2 submissions from 2 submitters: Likely benign (2). Last evaluated 2025-03-14.

Conditions:
GIGYF2-related disorder. Also called: GIGYF2-related condition.

Allele frequency attached by ClinVar (database versions not stated): gnomAD 0.00022; TOPMed 0.00023; ESP Exome Variant Server 0.00031; ExAC 0.00032; gnomAD exomes 0.00041.
gnomAD v4.1: 619 of 1,612,868 alleles (0.038%); highest among the groups gnomAD compares: Non-Finnish European, 0.05%; no homozygotes.

Submissions (2):

PreventionGenetics, part of Exact Sciences
Classification: Likely benign for GIGYF2-related condition. Last evaluated: 2025-03-14. Review status: criteria provided, single submitter. Criteria: ACMG Guidelines, 2015. Collection method: clinical testing. Allele origin: germline.
Comment: This variant is classified as likely benign based on ACMG/AMP sequence variant interpretation guidelines (Richards et al. 2015 PMID: 25741868, with internal and published modifications).

CeGaT Center for Human Genetics Tuebingen
Classification: Likely benign. Last evaluated: 2022-11-01. Review status: criteria provided, single submitter. Criteria: CeGaT Center For Human Genetics Tuebingen Variant Classification Criteria Version 2. Collection method: clinical testing. Allele origin: germline. Affected: yes. Observed: 1 variant allele.
Comment: GIGYF2: BP4, BP7